The following is an entry in ClinVar:

NM_002734.5(PRKAR1A):c.1086C>A (p.Cys362Ter)

Gene: PRKAR1A (protein kinase cAMP-dependent type I regulatory subunit alpha; plus strand). Cytogenetic location: 17q24.2.
Variant type: single nucleotide variant.
Coding change: c.1086C>A on transcript NM_002734.5 (MANE Select); coding-DNA position 1086, C replaced by A.
Protein change: p.Cys362Ter; replaces cysteine 362 with a stop codon.
Molecular consequence: nonsense. On other transcripts: intron variant (1).
Genome position (GRCh38, 1-based): chr17:68,530,389, C>A. VCF-style: chr17-68530389-C-A. GRCh37 (hg19) VCF-style: chr17-66526530-C-A.
Other names: c.1086C>A, p.Cys362Ter (NM_001276289.2, NM_001278433.2, NM_001369389.1 and 3 more transcripts); c.973+388C>A (NM_001276290.1); short protein forms C362*.
Identifiers: ClinVar variation 3652473 (VCV003652473.2).
Genomic context (GRCh38, chr17:68,530,389, plus strand): 5'-TGGCCCCTTGAAGTGCGTTAAGCTGGACCGACCTAGATTTGAACGTGTTCTTGGCCCATG[C>A]TCAGACATCCTCAAACGAAACATCCAGCAGTACAACAGTTTTGTGTCACTGTCTGTCTGA-3'

ClinVar aggregate classification (germline): Uncertain significance (1 of 4 stars; one submission).

Conditions:
Carney complex, type 1 (CNC1). Also called: CARNEY COMPLEX, TYPE I; CARNEY MYXOMA-ENDOCRINE COMPLEX. Identifiers: Orphanet 1359, MedGen C2607929, MONDO:0008057, OMIM 160980.

Submission:

Labcorp Genetics (formerly Invitae), Labcorp
Classification: Uncertain significance for Carney complex, type 1. Last evaluated: 2024-05-08. Review status: criteria provided, single submitter. Criteria: Invitae Variant Classification Sherloc (09022015). Collection method: clinical testing. Allele origin: germline.
Comment: This sequence change creates a premature translational stop signal (p.Cys362*) in the PRKAR1A gene. While this is not anticipated to result in nonsense mediated decay, it is expected to disrupt the last 20 amino acid(s) of the PRKAR1A protein. This variant is not present in population databases (gnomAD no frequency). This variant has not been reported in the literature in individuals affected with PRKAR1A-related conditions. Experimental studies and prediction algorithms are not available or were not evaluated, and the functional significance of this variant is currently unknown. In summary, the available evidence is currently insufficient to determine the role of this variant in disease. Therefore, it has been classified as a Variant of Uncertain Significance.